The following is an entry in ClinVar:

NM_013266.4(CTNNA3):c.1222G>A (p.Glu408Lys)

Gene: CTNNA3 (catenin alpha 3; minus strand). Cytogenetic location: 10q21.3.
Variant type: single nucleotide variant.
Coding change: c.1222G>A on transcript NM_013266.4 (MANE Select); coding-DNA position 1222, G replaced by A.
Protein change: p.Glu408Lys; replaces glutamic acid 408 with lysine.
Molecular consequence: missense variant.
Genome position (GRCh38, 1-based): chr10:66,766,323, C>T on the plus strand (G>A on the coding strand, the complement: CTNNA3 is on the minus strand). VCF-style: chr10-66766323-C-T. GRCh37 (hg19) VCF-style: chr10-68526081-C-T.
Other names: c.1222G>A, p.Glu408Lys (NM_001127384.3); c.1222G>A (NM_013266.2); short protein forms E408K.
Identifiers: ClinVar variation 2050636 (VCV002050636.6), dbSNP rs1387982830, ClinGen allele CA377091905.

ClinVar aggregate classification (germline): Uncertain significance. Review status: criteria provided, multiple submitters, no conflicts (2 of 4 stars). 2 submissions from 2 submitters: Uncertain significance (2). Last evaluated 2026-01-26.

Conditions:
Arrhythmogenic right ventricular dysplasia 13. Also called: Arrhythmogenic right ventricular dysplasia, familial, 13; ARRHYTHMOGENIC RIGHT VENTRICULAR CARDIOMYOPATHY 13. Identifiers: MedGen C3810138, MONDO:0000908, OMIM 615616.

Allele frequency attached by ClinVar (database versions not stated): TOPMed below 0.00001; gnomAD 0.00002.
gnomAD v4.1: 5 of 1,613,890 alleles (0.00031%); highest among the groups gnomAD compares: Admixed American, 0.0083%; no homozygotes.

Submissions (2):

Labcorp Genetics (formerly Invitae), Labcorp
Classification: Uncertain significance for Arrhythmogenic right ventricular dysplasia 13. Last evaluated: 2026-01-26. Review status: criteria provided, single submitter. Criteria: Invitae Variant Classification Sherloc (09022015). Collection method: clinical testing. Allele origin: germline.
Comment: This sequence change replaces glutamic acid, which is acidic and polar, with lysine, which is basic and polar, at codon 408 of the CTNNA3 protein (p.Glu408Lys). This variant is present in population databases (no rsID available, gnomAD 0.006%). This variant has not been reported in the literature in individuals affected with CTNNA3-related conditions. ClinVar contains an entry for this variant (Variation ID: 2050636). Invitae Evidence Modeling of protein sequence and biophysical properties (such as structural, functional, and spatial information, amino acid conservation, physicochemical variation, residue mobility, and thermodynamic stability) indicates that this missense variant is not expected to disrupt CTNNA3 protein function with a negative predictive value of 80%. In summary, the available evidence is currently insufficient to determine the role of this variant in disease. Therefore, it has been classified as a Variant of Uncertain Significance.

Ambry Genetics
Classification: Uncertain significance. Last evaluated: 2023-07-15. Review status: criteria provided, single submitter. Criteria: Ambry Variant Classification Scheme 2023. Collection method: clinical testing. Allele origin: germline.
Comment: The p.E408K variant (also known as c.1222G>A), located in coding exon 8 of the CTNNA3 gene, results from a G to A substitution at nucleotide position 1222. The glutamic acid at codon 408 is replaced by lysine, an amino acid with similar properties. This amino acid position is conserved. In addition, the in silico prediction for this alteration is inconclusive. Since supporting evidence is limited at this time, the clinical significance of this alteration remains unclear.